The following is an entry in ClinVar:

ClinVar aggregate classification (germline): Uncertain significance. Review status: criteria provided, multiple submitters, no conflicts (2 of 4 stars). 2 submissions from 2 submitters: Uncertain significance (2). Last evaluated 2024-12-30.

Conditions:
Ehlers-Danlos syndrome, type 4 (EDSVASC). Also called: Ehlers-Danlos syndrome vascular type; Ehlers Danlos syndrome, ecchymotic type; Ehlers Danlos syndrome, arterial type; Ehlers Danlos syndrome, Sack-Barabas type; Ehlers-Danlos Syndrome Type IV. Identifiers: Orphanet 286, MedGen C0268338, MONDO:0017314, OMIM 130050.

gnomAD v4.1: 1 of 1,614,102 alleles (0.000062%); highest among the groups gnomAD compares: Non-Finnish European, 0.000085%; no homozygotes.

Submissions (2):

Labcorp Genetics (formerly Invitae), Labcorp
Classification: Uncertain significance for Ehlers-Danlos syndrome, type 4. Last evaluated: 2024-12-30. Review status: criteria provided, single submitter. Criteria: Invitae Variant Classification Sherloc (09022015). Collection method: clinical testing. Allele origin: germline.
Comment: This sequence change replaces proline, which is neutral and non-polar, with serine, which is neutral and polar, at codon 488 of the COL3A1 protein (p.Pro488Ser). This variant is not present in population databases (gnomAD no frequency). This variant has not been reported in the literature in individuals affected with COL3A1-related conditions. ClinVar contains an entry for this variant (Variation ID: 1686583). Invitae Evidence Modeling of protein sequence and biophysical properties (such as structural, functional, and spatial information, amino acid conservation, physicochemical variation, residue mobility, and thermodynamic stability) indicates that this missense variant is not expected to disrupt COL3A1 protein function with a negative predictive value of 95%. In summary, the available evidence is currently insufficient to determine the role of this variant in disease. Therefore, it has been classified as a Variant of Uncertain Significance.

Mendelics
Classification: Uncertain significance. Last evaluated: 2022-05-04. Review status: criteria provided, single submitter. Criteria: Mendelics Assertion Criteria 2019. Collection method: clinical testing. Allele origin: germline.

NM_000090.4(COL3A1):c.1462C>T (p.Pro488Ser)

Gene: COL3A1 (collagen type III alpha 1 chain; plus strand). Cytogenetic location: 2q32.2.
Variant type: single nucleotide variant.
Coding change: c.1462C>T on transcript NM_000090.4 (MANE Select); coding-DNA position 1462, C replaced by T.
Protein change: p.Pro488Ser; replaces proline 488 with serine.
Molecular consequence: missense variant.
Genome position (GRCh38, 1-based): chr2:188,995,052, C>T. VCF-style: chr2-188995052-C-T. GRCh37 (hg19) VCF-style: chr2-189859778-C-T.
Other names: short protein forms P488S.
Identifiers: ClinVar variation 1686583 (VCV001686583.3), dbSNP rs2153502474, ClinGen allele CA349851982.